The following is an entry in ClinVar:

NM_001110556.2(FLNA):c.6197C>T (p.Ala2066Val)

Gene: FLNA (filamin A; minus strand). Cytogenetic location: Xq28.
Variant type: single nucleotide variant.
Coding change: c.6197C>T on transcript NM_001110556.2 (MANE Select); coding-DNA position 6197, C replaced by T.
Protein change: p.Ala2066Val; replaces alanine 2066 with valine.
Molecular consequence: missense variant.
Genome position (GRCh38, 1-based): chrX:154,353,030, G>A on the plus strand (C>T on the coding strand, the complement: FLNA is on the minus strand). VCF-style: chrX-154353030-G-A. GRCh37 (hg19) VCF-style: chrX-153581398-G-A.
Other names: c.6173C>T, p.Ala2058Val (NM_001456.4); short protein forms A2058V, A2066V.
Identifiers: ClinVar variation 1489244 (VCV001489244.8), dbSNP rs2067633292, ClinGen allele CA415195243.
Genomic context (GRCh38, chrX:154,353,030, plus strand): 5'-CCGCCCCAGCTGGTGGGCAGCCACTGCCTACCTGCATCGCGGGTATCAATGATAAACTCT[G>A]CAGGCTCAAAGGTGTGGCCTTCGTGAAGGCCCTGACCAGAGACCCGAACACGACTGGCAT-3'
Protein context (NP_001104026.1, residues 2056-2076): GLHEGHTFEP[Ala2066Val]EFIIDTRDAG

ClinVar aggregate classification (germline): Uncertain significance (1 of 4 stars; one submission).

Conditions:
Oto-palato-digital syndrome, type II (OPD2). Also called: FACIOPALATOOSSEOUS SYNDROME; OPD II SYNDROME; Otopalatodigital Syndrome, Type II; Otopalatodigital Syndrome Type 2 (FLNA-OPD2). Identifiers: Orphanet 669, Orphanet 90652, MedGen C1844696, MONDO:0010571, OMIM 304120.
Heterotopia, periventricular, X-linked dominant (PVNH1). Also called: PERIVENTRICULAR NODULAR HETEROTOPIA 4; HETEROTOPIA, PERIVENTRICULAR, 1; PERIVENTRICULAR NODULAR HETEROTOPIA 1; X-linked periventricular heterotopia. Identifiers: Orphanet 2149, Orphanet 82004, MedGen C1848213, MONDO:0010233, OMIM 300049.
Melnick-Needles syndrome (MNS). Also called: MELNICK-NEEDLES OSTEODYSPLASTY; OSTEODYSPLASTY OF MELNICK AND NEEDLES; Melnick-Needles Syndrome (FLNA-MNS). Identifiers: Orphanet 2484, MedGen C0025237, MONDO:0010650, OMIM 309350.
Frontometaphyseal dysplasia (FMD1). Identifiers: Orphanet 1826, MedGen C0265293, MONDO:0015942.

Allele frequency attached by ClinVar (database versions not stated): gnomAD exomes below 0.00001; gnomAD 0.00003.
gnomAD v4.1: 5 of 1,210,265 alleles (0.00041%); highest among the groups gnomAD compares: Admixed American, 0.0022%; no homozygotes.

Submission:

Labcorp Genetics (formerly Invitae), Labcorp
Classification: Uncertain significance for Oto-palato-digital syndrome, type II; Heterotopia, periventricular, X-linked dominant; Frontometaphyseal dysplasia; Melnick-Needles syndrome. Last evaluated: 2025-04-23. Review status: criteria provided, single submitter. Criteria: Invitae Variant Classification Sherloc (09022015). Collection method: clinical testing. Allele origin: germline.
Comment: This sequence change replaces alanine, which is neutral and non-polar, with valine, which is neutral and non-polar, at codon 2058 of the FLNA protein (p.Ala2058Val). This variant is not present in population databases (gnomAD no frequency). This variant has not been reported in the literature in individuals affected with FLNA-related conditions. ClinVar contains an entry for this variant (Variation ID: 1489244). Invitae Evidence Modeling of protein sequence and biophysical properties (such as structural, functional, and spatial information, amino acid conservation, physicochemical variation, residue mobility, and thermodynamic stability) indicates that this missense variant is not expected to disrupt FLNA protein function with a negative predictive value of 95%. In summary, the available evidence is currently insufficient to determine the role of this variant in disease. Therefore, it has been classified as a Variant of Uncertain Significance.